The following is an entry in ClinVar:

ClinVar aggregate classification (germline): Uncertain significance (1 of 4 stars; one submission).

Submission:

GeneDx
Classification: Uncertain significance. Last evaluated: 2025-02-07. Review status: criteria provided, single submitter. Criteria: GeneDx Variant Classification Process June 2021. Collection method: clinical testing. Allele origin: germline. Affected: yes.
Comment: Not observed at significant frequency in large population cohorts (gnomAD); In silico analysis supports that this missense variant has a deleterious effect on protein structure/function; Has not been previously published as pathogenic or benign to our knowledge

NM_006035.4(CDC42BPB):c.752T>A (p.Met251Lys)

Gene: CDC42BPB (CDC42 binding protein kinase beta; minus strand). Cytogenetic location: 14q32.32.
Variant type: single nucleotide variant.
Coding change: c.752T>A on transcript NM_006035.4 (MANE Select); coding-DNA position 752, T replaced by A.
Protein change: p.Met251Lys; replaces methionine 251 with lysine.
Molecular consequence: missense variant.
Genome position (GRCh38, 1-based): chr14:102,983,695, A>T on the plus strand (T>A on the coding strand, the complement: CDC42BPB is on the minus strand). VCF-style: chr14-102983695-A-T. GRCh37 (hg19) VCF-style: chr14-103450032-A-T.
Other names: c.752T>A, p.Met251Lys (NM_001411054.1); short protein forms M251K.
Identifiers: ClinVar variation 4074694 (VCV004074694.1).
Genomic context (GRCh38, chr14:102,983,695, plus strand): 5'-ATGCAGACACCCAGAGACCACCAGTCACACTCAGGCCCGTATTTGCCCATGCCGTCCTCC[A>T]TCGCCTGCAGGATCTCCGGCGAGATGTAGTCAGGTGTGCCCACGGCCACGGAGGACTGCA-3'
Protein context (NP_006026.3, residues 241-261): DYISPEILQA[Met251Lys]EDGMGKYGPE